The following is an entry in ClinVar:

ClinVar aggregate classification (germline): Uncertain significance (1 of 4 stars; one submission).

gnomAD v4.1: 3 of 1,612,262 alleles (0.00019%); highest among the groups gnomAD compares: Non-Finnish European, 0.00025%; no homozygotes.

Submission:

Labcorp Genetics (formerly Invitae), Labcorp
Classification: Uncertain significance. Last evaluated: 2025-09-21. Review status: criteria provided, single submitter. Criteria: Invitae Variant Classification Sherloc (09022015). Collection method: clinical testing. Allele origin: germline.
Comment: This sequence change replaces aspartic acid, which is acidic and polar, with histidine, which is basic and polar, at codon 1007 of the RICTOR protein (p.Asp1007His). This variant is not present in population databases (gnomAD no frequency). This variant has not been reported in the literature in individuals affected with RICTOR-related conditions. An algorithm developed to predict the effect of missense changes on protein structure and function (PolyPhen-2) suggests that this variant is likely to be disruptive. In summary, the available evidence is currently insufficient to determine the role of this variant in disease. Therefore, it has been classified as a Variant of Uncertain Significance.

NM_152756.5(RICTOR):c.3019G>C (p.Asp1007His)

Gene: RICTOR (RPTOR independent companion of MTOR complex 2; minus strand). Cytogenetic location: 5p13.1.
Variant type: single nucleotide variant.
Coding change: c.3019G>C on transcript NM_152756.5 (MANE Select); coding-DNA position 3019, G replaced by C.
Protein change: p.Asp1007His; replaces aspartic acid 1007 with histidine.
Molecular consequence: missense variant.
Genome position (GRCh38, 1-based): chr5:38,952,304, C>G on the plus strand (G>C on the coding strand, the complement: RICTOR is on the minus strand). VCF-style: chr5-38952304-C-G. GRCh37 (hg19) VCF-style: chr5-38952406-C-G.
Other names: c.3019G>C, p.Asp1007His (NM_001285439.2, NM_001438007.1, NM_001438248.1); c.2164G>C, p.Asp722His (NM_001285440.2); c.2971G>C, p.Asp991His (NM_001438049.1, NM_001438246.1, NM_001438247.1 and 1 more transcripts); short protein forms D722H, D991H, D1007H.
Identifiers: ClinVar variation 4727556 (VCV004727556.1).